The following is an entry in ClinVar:

ClinVar aggregate classification (germline): Uncertain significance (1 of 4 stars; one submission).

Submission:

Ambry Genetics
Classification: Uncertain significance. Last evaluated: 2025-12-12. Review status: criteria provided, single submitter. Criteria: Ambry Variant Classification Scheme 2023. Collection method: clinical testing. Allele origin: germline.
Comment: The p.K509E variant (also known as c.1525A>G), located in coding exon 2 of the CDK12 gene, results from an A to G substitution at nucleotide position 1525. The lysine at codon 509 is replaced by glutamic acid, an amino acid with similar properties. This amino acid position is conserved. In addition, this alteration is predicted to be tolerated by in silico analysis. Based on the available evidence, the clinical significance of this variant remains unclear.

NM_016507.4(CDK12):c.1525A>G (p.Lys509Glu)

Gene: CDK12 (cyclin dependent kinase 12; plus strand). Cytogenetic location: 17q12.
Variant type: single nucleotide variant.
Coding change: c.1525A>G on transcript NM_016507.4 (MANE Select); coding-DNA position 1525, A replaced by G.
Protein change: p.Lys509Glu; replaces lysine 509 with glutamic acid.
Molecular consequence: missense variant.
Genome position (GRCh38, 1-based): chr17:39,471,357, A>G. VCF-style: chr17-39471357-A-G. GRCh37 (hg19) VCF-style: chr17-37627610-A-G.
Other names: c.1525A>G, p.Lys509Glu (NM_015083.4); short protein forms K509E.
Identifiers: ClinVar variation 4651495 (VCV004651495.1).